The following is an entry in ClinVar:

ClinVar aggregate classification (germline): Uncertain significance (1 of 4 stars; one submission).

Conditions:
Nephronophthisis 14 (NPHP14). Identifiers: Orphanet 2318, MedGen C3539071, MONDO:0013916, OMIM 614844.

gnomAD v4.1: 1 of 1,613,722 alleles (0.000062%); highest among the groups gnomAD compares: Middle Eastern, 0.016%; no homozygotes.

Submission:

Labcorp Genetics (formerly Invitae), Labcorp
Classification: Uncertain significance for Nephronophthisis 14. Last evaluated: 2024-07-22. Review status: criteria provided, single submitter. Criteria: Invitae Variant Classification Sherloc (09022015). Collection method: clinical testing. Allele origin: germline.
Comment: This sequence change replaces arginine, which is basic and polar, with leucine, which is neutral and non-polar, at codon 285 of the ZNF423 protein (p.Arg285Leu). This variant is not present in population databases (gnomAD no frequency). This variant has not been reported in the literature in individuals affected with ZNF423-related conditions. ClinVar contains an entry for this variant (Variation ID: 1433758). Advanced modeling of protein sequence and biophysical properties (such as structural, functional, and spatial information, amino acid conservation, physicochemical variation, residue mobility, and thermodynamic stability) performed at Invitae indicates that this missense variant is not expected to disrupt ZNF423 protein function with a negative predictive value of 80%. In summary, the available evidence is currently insufficient to determine the role of this variant in disease. Therefore, it has been classified as a Variant of Uncertain Significance.

NM_001379286.1(ZNF423):c.878G>T (p.Arg293Leu)

Gene: ZNF423 (zinc finger protein 423; minus strand). Cytogenetic location: 16q12.1.
Variant type: single nucleotide variant.
Coding change: c.878G>T on transcript NM_001379286.1 (MANE Select); coding-DNA position 878, G replaced by T.
Protein change: p.Arg293Leu; replaces arginine 293 with leucine.
Molecular consequence: missense variant.
Genome position (GRCh38, 1-based): chr16:49,638,298, C>A on the plus strand (G>T on the coding strand, the complement: ZNF423 is on the minus strand). VCF-style: chr16-49638298-C-A. GRCh37 (hg19) VCF-style: chr16-49672209-C-A.
Other names: c.674G>T, p.Arg225Leu (NM_001271620.2); c.503G>T, p.Arg168Leu (NM_001330533.2); c.854G>T, p.Arg285Leu (NM_015069.5); short protein forms R293L, R168L, R225L, R285L.
Identifiers: ClinVar variation 1433758 (VCV001433758.8), dbSNP rs764472490, ClinGen allele CA395851139.
Genomic context (GRCh38, chr16:49,638,298, plus strand): 5'-ACGAAGACCTCAGGGCAGTGAATGCACTGCAGGTCCGCCTTCTCGGACAGCTGCGGGTGG[C>A]GGGTGAGCACGTGCTTCTCCAGCTCCTCCGTCTGGCTGAAGGTGTCCTCGCAGTAGTCGC-3'
Protein context (NP_001366215.1, residues 283-303): TEELEKHVLT[Arg293Leu]HPQLSEKADL